The following is an entry in ClinVar:

ClinVar aggregate classification (germline): Uncertain significance (1 of 4 stars; one submission).

Conditions:
Brugada syndrome. Also called: Sudden unexpected nocturnal death syndrome; Sudden Unexplained Death Syndrome; Sudden Unexplained Nocturnal Death Syndrome (SUNDS); Sudden unexplained nocturnal death syndrome. Identifiers: Orphanet 130, MedGen C1142166, MONDO:0015263.

Submission:

Labcorp Genetics (formerly Invitae), Labcorp
Classification: Uncertain significance for Brugada syndrome. Last evaluated: 2022-03-26. Review status: criteria provided, single submitter. Criteria: Invitae Variant Classification Sherloc (09022015). Collection method: clinical testing. Allele origin: germline.
Comment: In summary, the available evidence is currently insufficient to determine the role of this variant in disease. Therefore, it has been classified as a Variant of Uncertain Significance. This variant has not been reported in the literature in individuals affected with CACNA2D1-related conditions. This variant is a gross deletion of the genomic region encompassing exon(s) 2-3 of the CACNA2D1 gene. This deletion is out-of-frame, and is expected to create a premature translational stop signal and result in an absent or disrupted protein product. However, the current clinical and genetic evidence is not sufficient to establish whether loss-of-function variants in CACNA2D1 cause disease.

NC_000007.13:g.(?_81964431)_(81978985_?)del

Gene: CACNA2D1 (calcium voltage-gated channel auxiliary subunit alpha2delta 1; minus strand). Cytogenetic location: 7q21.11.
Variant type: Deletion.
Identifiers: ClinVar variation 2423379 (VCV002423379.4).